The following is an entry in ClinVar:

NM_022114.4(PRDM16):c.2862-3C>T

Gene: PRDM16 (PR/SET domain 16; plus strand). Cytogenetic location: 1p36.32.
Variant type: single nucleotide variant.
Coding change: c.2862-3C>T on transcript NM_022114.4 (MANE Select); 3 bases into the intron before coding-DNA position 2862, C replaced by T.
Molecular consequence: intron variant.
Genome position (GRCh38, 1-based): chr1:3,418,664, C>T. VCF-style: chr1-3418664-C-T. GRCh37 (hg19) VCF-style: chr1-3335228-C-T.
Other names: c.2862-3C>T (NM_199454.3).
Identifiers: ClinVar variation 4708177 (VCV004708177.1).

ClinVar aggregate classification (germline): Uncertain significance (1 of 4 stars; one submission).

Conditions:
Left ventricular noncompaction 8 (LVNC8). Identifiers: Orphanet 154, Orphanet 54260, MedGen C3809288, MONDO:0014152, OMIM 615373.

gnomAD v4.1: 1 of 1,607,986 alleles (0.000062%); highest among the groups gnomAD compares: Non-Finnish European, 0.000085%; no homozygotes.

Submission:

Labcorp Genetics (formerly Invitae), Labcorp
Classification: Uncertain significance for Left ventricular noncompaction 8. Last evaluated: 2025-03-26. Review status: criteria provided, single submitter. Criteria: Invitae Variant Classification Sherloc (09022015). Collection method: clinical testing. Allele origin: germline.
Comment: This sequence change falls in intron 11 of the PRDM16 gene. It does not directly change the encoded amino acid sequence of the PRDM16 protein. It affects a nucleotide within the consensus splice site. This variant is not present in population databases (gnomAD no frequency). This variant has not been reported in the literature in individuals affected with PRDM16-related conditions. Variants that disrupt the consensus splice site are a relatively common cause of aberrant splicing (PMID: 17576681, 9536098). Algorithms developed to predict the effect of sequence changes on RNA splicing suggest that this variant is not likely to affect RNA splicing. In summary, the available evidence is currently insufficient to determine the role of this variant in disease. Therefore, it has been classified as a Variant of Uncertain Significance.

Literature cited by the submitters: PubMed 17576681; PubMed 9536098.